The following is an entry in ClinVar:

NM_001009944.3(PKD1):c.4012dup (p.Thr1338fs)

Gene: PKD1 (polycystin 1, transient receptor potential channel interacting; minus strand). Cytogenetic location: 16p13.3.
Variant type: Duplication.
Coding change: c.4012dup on transcript NM_001009944.3 (MANE Select); coding-DNA position 4012, one base duplicated (A; older notation c.4012dupA).
Protein change: p.Thr1338fs; shifts the reading frame from threonine 1338.
Molecular consequence: frameshift variant.
Genome position (GRCh38, 1-based): chr16:2,111,155, T duplicated on the plus strand (A on the coding strand, the reverse complement: PKD1 is on the minus strand). VCF-style (leftmost placement, unchanged base first): chr16-2111154-G-GT. GRCh37 (hg19) VCF-style: chr16-2161155-G-GT.
Other names: c.4012dup, p.Thr1338fs (NM_000296.4); short protein forms T1338fs.
Identifiers: ClinVar variation 3374712 (VCV003374712.1).

ClinVar aggregate classification (germline): Pathogenic (1 of 4 stars; one submission).

Conditions:
Polycystic kidney disease, adult type (PKD1). Also called: POLYCYSTIC KIDNEY DISEASE, ADULT, TYPE I; Polycystic Kidney Disease 1, Autosomal Dominant; Polycystic kidney disease 1; Polycystic kidney disease 1, severe; Polycystic Kidney, Autosomal Dominant; POLYCYSTIC KIDNEY DISEASE 1 WITH OR WITHOUT POLYCYSTIC LIVER DISEASE. Identifiers: MedGen C3149841, MONDO:0008263, OMIM 173900.

Submission:

Genetics Department, Catlab
Classification: Pathogenic for Polycystic kidney disease, adult type. Last evaluated: 2024-08-05. Review status: criteria provided, single submitter. Criteria: ACMG Guidelines, 2015. Collection method: clinical testing. Allele origin: unknown. Inheritance: Autosomal dominant inheritance. Affected: yes.
Comment: The c.4012dup variant in the PKD1 gene is a loss of function variant predicted to undergo nonsense mediated decay, and loss of function variants have been described as a causing mechanism for the gene (PVS1). The variant has not been previously reported in the literature and is absent from gnomAD 4.1 (PM2). Family history of the patient is specific and compatible with the disease (PP4). With all the available evidence, the variant is classified as pathogenic.